The following is an entry in ClinVar:

ClinVar aggregate classification (germline): Uncertain significance (1 of 4 stars; one submission).

Conditions:
Cardiovascular phenotype. Identifiers: MedGen CN230736.

gnomAD v4.1: 1 of 1,614,256 alleles (0.000062%); highest among the groups gnomAD compares: South Asian, 0.0011%; no homozygotes.

Submission:

Ambry Genetics
Classification: Uncertain significance for Cardiovascular phenotype. Last evaluated: 2025-02-09. Review status: criteria provided, single submitter. Criteria: Ambry Variant Classification Scheme 2023. Collection method: clinical testing. Allele origin: germline.
Comment: The p.L314Q variant (also known as c.941T>A), located in coding exon 3 of the APOA5 gene, results from a T to A substitution at nucleotide position 941. The leucine at codon 314 is replaced by glutamine, an amino acid with dissimilar properties. This amino acid position is conserved. In addition, the in silico prediction for this alteration is inconclusive. Based on the available evidence, the clinical significance of this variant remains unclear.

NM_001371904.1(APOA5):c.941T>A (p.Leu314Gln)

Gene: APOA5 (apolipoprotein A5; minus strand). Cytogenetic location: 11q23.3.
Variant type: single nucleotide variant.
Coding change: c.941T>A on transcript NM_001371904.1 (MANE Select); coding-DNA position 941, T replaced by A.
Protein change: p.Leu314Gln; replaces leucine 314 with glutamine.
Molecular consequence: missense variant.
Genome position (GRCh38, 1-based): chr11:116,790,288, A>T on the plus strand (T>A on the coding strand, the complement: APOA5 is on the minus strand). VCF-style: chr11-116790288-A-T. GRCh37 (hg19) VCF-style: chr11-116661004-A-T.
Other names: c.941T>A, p.Leu314Gln (NM_001166598.2, NM_052968.5); short protein forms L314Q.
Identifiers: ClinVar variation 3884294 (VCV003884294.1).